The following is an entry in ClinVar:

NM_001199107.2(TBC1D24):c.13G>C (p.Gly5Arg)

Gene: TBC1D24 (TBC1 domain family member 24; plus strand). Cytogenetic location: 16p13.3.
Variant type: single nucleotide variant.
Coding change: c.13G>C on transcript NM_001199107.2 (MANE Select); coding-DNA position 13, G replaced by C.
Protein change: p.Gly5Arg; replaces glycine 5 with arginine.
Molecular consequence: missense variant.
Genome position (GRCh38, 1-based): chr16:2,496,161, G>C. VCF-style: chr16-2496161-G-C. GRCh37 (hg19) VCF-style: chr16-2546162-G-C.
Other names: c.13G>C, p.Gly5Arg (NM_020705.3); short protein forms G5R.
Identifiers: ClinVar variation 290246 (VCV000290246.9), dbSNP rs772570554, ClinGen allele CA7843904.

ClinVar aggregate classification (germline): Uncertain significance. Review status: criteria provided, multiple submitters, no conflicts (2 of 4 stars). 2 submissions from 2 submitters: Uncertain significance (2). Last evaluated 2025-08-20.

Conditions:
Developmental and epileptic encephalopathy, 1 (DEE1). Also called: Epileptic encephalopathy, early infantile, 1; X-linked infantile spasms; West's syndrome; Tonic spasms with clustering, arrest of psychomotor development and hypsarrhythmia on EEG; X-Linked Infantile Spasm Syndrome; OHTAHARA SYNDROME, X-LINKED. Identifiers: MedGen C3463992, MONDO:0010632, OMIM 308350. Disease mechanism: loss of function.
Autosomal dominant nonsyndromic hearing loss 65. Also called: TBC1D24-Related Autosomal Dominant Nonsyndromic Hearing Loss (DFNA); Deafness, autosomal dominant 65. Identifiers: Orphanet 90635, MedGen C3892048, MONDO:0014470, OMIM 616044.

Allele frequency attached by ClinVar (database versions not stated): TOPMed 0.00001; ExAC 0.00002; gnomAD 0.00001; gnomAD exomes 0.00001.
gnomAD v4.1: 10 of 1,613,770 alleles (0.00062%); highest among the groups gnomAD compares: African/African-American, 0.0053%; no homozygotes.

Submissions (2):

Labcorp Genetics (formerly Invitae), Labcorp
Classification: Uncertain significance for Developmental and epileptic encephalopathy, 1; Autosomal dominant nonsyndromic hearing loss 65. Last evaluated: 2025-08-20. Review status: criteria provided, single submitter. Criteria: Invitae Variant Classification Sherloc (09022015). Collection method: clinical testing. Allele origin: germline.
Comment: This sequence change replaces glycine, which is neutral and non-polar, with arginine, which is basic and polar, at codon 5 of the TBC1D24 protein (p.Gly5Arg). This variant is present in population databases (rs772570554, gnomAD 0.004%). This variant has not been reported in the literature in individuals affected with TBC1D24-related conditions. ClinVar contains an entry for this variant (Variation ID: 290246). Invitae Evidence Modeling of protein sequence and biophysical properties (such as structural, functional, and spatial information, amino acid conservation, physicochemical variation, residue mobility, and thermodynamic stability) indicates that this missense variant is not expected to disrupt TBC1D24 protein function with a negative predictive value of 95%. In summary, the available evidence is currently insufficient to determine the role of this variant in disease. Therefore, it has been classified as a Variant of Uncertain Significance.

Eurofins Ntd Llc (ga)
Classification: Uncertain significance. Last evaluated: 2016-08-15. Review status: criteria provided, single submitter. Criteria: EGL Classification Definitions 2015. Collection method: clinical testing. Allele origin: germline. Observed: 1 variant allele, 1 heterozygote.